The following is an entry in ClinVar:

NM_002778.4(PSAP):c.714C>G (p.Ala238=)

Gene: PSAP (prosaposin; minus strand). Cytogenetic location: 10q22.1.
Variant type: single nucleotide variant.
Coding change: c.714C>G on transcript NM_002778.4 (MANE Select); coding-DNA position 714, C replaced by G.
Protein change: p.Ala238=; no amino-acid change (alanine 238 retained).
Molecular consequence: synonymous variant.
Genome position (GRCh38, 1-based): chr10:71,828,020, G>C on the plus strand (C>G on the coding strand, the complement: PSAP is on the minus strand). VCF-style: chr10-71828020-G-C. GRCh37 (hg19) VCF-style: chr10-73587777-G-C.
Other names: p.Ala238=; c.714C>G, p.Ala238= (NM_001042465.3, NM_001042466.3).
Identifiers: ClinVar variation 300522 (VCV000300522.42), dbSNP rs141199649, ClinGen allele CA5547688.
Genomic context (GRCh38, chr10:71,828,020, plus strand): 5'-CAGCCCAACTCCCAGGCCCAGAACATCCCCAATGCACAAGGACACAAGGCTCACTATGTC[G>C]GCCATGCCAGGGCCCAGGCGGTCACACTCCTCCTTGACATGTTCCACCAAGGCCTGGACA-3'
Protein context (NP_002769.1, residues 228-248): EECDRLGPGM[Ala238=]DICKNYISQY

ClinVar aggregate classification (germline): Conflicting classifications of pathogenicity. Review status: criteria provided, conflicting classifications (1 of 4 stars). 9 submissions from 6 submitters: Uncertain significance (3); Benign (2); Likely benign (4). Last evaluated 2026-01-28.

Conditions:
PSAP-related disorder. Also called: PSAP-related condition.
Krabbe disease due to saposin A deficiency. Also called: KRABBE DISEASE, ATYPICAL, DUE TO SAPOSIN A DEFICIENCY; Saposin A Deficiency. Identifiers: Orphanet 487, MedGen C2673266, MONDO:0012720, OMIM 611722.
Combined PSAP deficiency (PSAPD). Also called: PROSAPOSIN DEFICIENCY; COMBINED SAP DEFICIENCY; Encephalopathy due to prosaposin deficiency. Identifiers: Orphanet 139406, MedGen C2673635, MONDO:0012719, OMIM 611721.
Gaucher disease due to saposin C deficiency. Also called: Atypical Gaucher disease due to saposin C deficiency; Saposin C Deficiency. Identifiers: Orphanet 309252, Orphanet 355, MedGen C1864651, MONDO:0012517, OMIM 610539.
Sphingolipid activator protein 1 deficiency. Also called: METACHROMATIC LEUKODYSTROPHY DUE TO CEREBROSIDE SULFATASE ACTIVATOR DEFICIENCY; Metachromatic leukodystrophy due to saposin B deficiency; Saposin B Deficiency. Identifiers: Orphanet 512, MedGen C0268262, MONDO:0009590, OMIM 249900.

Allele frequency attached by ClinVar (database versions not stated): 1000 Genomes Project 0.00040; 1000 Genomes Project 30x 0.00062; gnomAD 0.00076; TOPMed 0.00098; ESP Exome Variant Server 0.00138; gnomAD exomes 0.00023.
gnomAD v4.1: 268 of 1,614,090 alleles (0.017%); highest among the groups gnomAD compares: African/African-American, 0.23%; 1 homozygote.

Submissions (9):

Labcorp Genetics (formerly Invitae), Labcorp
Classification: Benign for Sphingolipid activator protein 1 deficiency. Last evaluated: 2026-01-28. Review status: criteria provided, single submitter. Criteria: Invitae Variant Classification Sherloc (09022015). Collection method: clinical testing. Allele origin: germline.

PreventionGenetics, part of Exact Sciences
Classification: Likely benign for PSAP-related condition. Last evaluated: 2025-07-07. Review status: criteria provided, single submitter. Criteria: ACMG Guidelines, 2015. Collection method: clinical testing. Allele origin: germline.
Comment: This variant is classified as likely benign based on ACMG/AMP sequence variant interpretation guidelines (Richards et al. 2015 PMID: 25741868, with internal and published modifications).

Mayo Clinic Laboratories, Mayo Clinic
Classification: Likely benign. Last evaluated: 2025-01-20. Review status: criteria provided, single submitter. Criteria: ACMG Guidelines, 2015. Collection method: clinical testing. Allele origin: germline. Observed: 2 variant alleles.
Comment: BS1, BP4, BP7

Blueprint Genetics
Classification: Likely benign. Last evaluated: 2024-10-15. Review status: criteria provided, single submitter. Criteria: ACMG Guidelines, 2015. Collection method: clinical testing. Allele origin: germline.

CeGaT Center for Human Genetics Tuebingen
Classification: Likely benign. Last evaluated: 2023-05-01. Review status: criteria provided, single submitter. Criteria: CeGaT Center For Human Genetics Tuebingen Variant Classification Criteria Version 2. Collection method: clinical testing. Allele origin: germline. Affected: yes. Observed: 1 variant allele.
Comment: PSAP: BP4, BP7

Illumina Laboratory Services, Illumina
Classification: Uncertain significance for Combined PSAP deficiency. Last evaluated: 2018-01-13. Review status: criteria provided, single submitter. Criteria: ICSL Variant Classification Criteria 13 December 2019. Collection method: clinical testing. Allele origin: germline.

Illumina Laboratory Services, Illumina
Classification: Uncertain significance for Sphingolipid activator protein 1 deficiency. Last evaluated: 2018-01-13. Review status: criteria provided, single submitter. Criteria: ICSL Variant Classification Criteria 13 December 2019. Collection method: clinical testing. Allele origin: germline.

Illumina Laboratory Services, Illumina
Classification: Uncertain significance for Krabbe disease due to saposin A deficiency. Last evaluated: 2018-01-13. Review status: criteria provided, single submitter. Criteria: ICSL Variant Classification Criteria 13 December 2019. Collection method: clinical testing. Allele origin: germline.

Illumina Laboratory Services, Illumina
Classification: Benign for Gaucher disease due to saposin C deficiency. Last evaluated: 2018-01-13. Review status: criteria provided, single submitter. Criteria: ICSL Variant Classification Criteria 13 December 2019. Collection method: clinical testing. Allele origin: germline.
Comment: This variant was observed in the ICSL laboratory as part of a predisposition screen in an ostensibly healthy population. It had not been previously curated by ICSL or reported in the Human Gene Mutation Database (HGMD: prior to June 1st, 2018), and was therefore a candidate for classification through an automated scoring system. Utilizing variant allele frequency, disease prevalence and penetrance estimates, and inheritance mode, an automated score was calculated to assess if this variant is too frequent to cause the disease. Based on the score and internal cut-off values, a variant classified as benign is not then subjected to further curation. The score for this variant resulted in a classification of benign for this disease.